The following is an entry in ClinVar:

ClinVar aggregate classification (germline): Uncertain significance (1 of 4 stars; one submission).

Submission:

Labcorp Genetics (formerly Invitae), Labcorp
Classification: Uncertain significance. Last evaluated: 2024-07-19. Review status: criteria provided, single submitter. Criteria: Invitae Variant Classification Sherloc (09022015). Collection method: clinical testing. Allele origin: germline.
Comment: This sequence change replaces tryptophan, which is neutral and slightly polar, with cysteine, which is neutral and slightly polar, at codon 1331 of the POLE protein (p.Trp1331Cys). This variant is not present in population databases (gnomAD no frequency). This variant has not been reported in the literature in individuals affected with POLE-related conditions. Advanced modeling of protein sequence and biophysical properties (such as structural, functional, and spatial information, amino acid conservation, physicochemical variation, residue mobility, and thermodynamic stability) performed at Invitae indicates that this missense variant is expected to disrupt POLE protein function with a positive predictive value of 80%. In summary, the available evidence is currently insufficient to determine the role of this variant in disease. Therefore, it has been classified as a Variant of Uncertain Significance.

NM_006231.4(POLE):c.3993G>C (p.Trp1331Cys)

Gene: POLE (DNA polymerase epsilon, catalytic subunit; minus strand). Cytogenetic location: 12q24.33.
Variant type: single nucleotide variant.
Coding change: c.3993G>C on transcript NM_006231.4 (MANE Select); coding-DNA position 3993, G replaced by C.
Protein change: p.Trp1331Cys; replaces tryptophan 1331 with cysteine.
Molecular consequence: missense variant.
Genome position (GRCh38, 1-based): chr12:132,649,318, C>G on the plus strand (G>C on the coding strand, the complement: POLE is on the minus strand). VCF-style: chr12-132649318-C-G. GRCh37 (hg19) VCF-style: chr12-133225904-C-G.
Other names: short protein forms W1331C.
Identifiers: ClinVar variation 3672733 (VCV003672733.2).